The following is an entry in ClinVar:

NM_006734.4(HIVEP2):c.1261T>C (p.Tyr421His)

Gene: HIVEP2 (HIVEP zinc finger 2; minus strand). Cytogenetic location: 6q24.2.
Variant type: single nucleotide variant.
Coding change: c.1261T>C on transcript NM_006734.4 (MANE Select); coding-DNA position 1261, T replaced by C.
Protein change: p.Tyr421His; replaces tyrosine 421 with histidine.
Molecular consequence: missense variant.
Genome position (GRCh38, 1-based): chr6:142,773,478, A>G on the plus strand (T>C on the coding strand, the complement: HIVEP2 is on the minus strand). VCF-style: chr6-142773478-A-G. GRCh37 (hg19) VCF-style: chr6-143094615-A-G.
Other names: c.1261T>C, p.Tyr421His (NM_001438449.1, NM_001438450.1, NM_001438451.1); short protein forms Y421H.
Identifiers: ClinVar variation 4681858 (VCV004681858.5).

ClinVar aggregate classification (germline): Uncertain significance (1 of 4 stars; one submission).

Submission:

CeGaT Center for Human Genetics Tuebingen
Classification: Uncertain significance. Last evaluated: 2025-12-01. Review status: criteria provided, single submitter. Criteria: CeGaT Center For Human Genetics Tuebingen Variant Classification Criteria Version 2. Collection method: clinical testing. Allele origin: germline. Affected: yes. Observed: 1 variant allele.
Comment: HIVEP2: PM2, PS2:Moderate